The following is an entry in ClinVar:

NM_033004.4(NLRP1):c.1396C>T (p.Leu466Phe)

Gene: NLRP1 (NLR family pyrin domain containing 1; minus strand). Cytogenetic location: 17p13.2.
Variant type: single nucleotide variant.
Coding change: c.1396C>T on transcript NM_033004.4 (MANE Select); coding-DNA position 1396, C replaced by T.
Protein change: p.Leu466Phe; replaces leucine 466 with phenylalanine.
Molecular consequence: missense variant.
Genome position (GRCh38, 1-based): chr17:5,559,300, G>A on the plus strand (C>T on the coding strand, the complement: NLRP1 is on the minus strand). VCF-style: chr17-5559300-G-A. GRCh37 (hg19) VCF-style: chr17-5462620-G-A.
Other names: c.1396C>T, p.Leu466Phe (NM_001033053.3, NM_014922.5, NM_033006.4 and 1 more transcripts); short protein forms L466F.
Identifiers: ClinVar variation 2420908 (VCV002420908.6), dbSNP rs985122657, ClinGen allele CA287268405.

ClinVar aggregate classification (germline): Uncertain significance (1 of 4 stars; one submission).

Submission:

Labcorp Genetics (formerly Invitae), Labcorp
Classification: Uncertain significance. Last evaluated: 2022-05-17. Review status: criteria provided, single submitter. Criteria: Invitae Variant Classification Sherloc (09022015). Collection method: clinical testing. Allele origin: germline.
Comment: In summary, the available evidence is currently insufficient to determine the role of this variant in disease. Therefore, it has been classified as a Variant of Uncertain Significance. Algorithms developed to predict the effect of missense changes on protein structure and function output the following: SIFT: "Tolerated"; PolyPhen-2: "Benign"; Align-GVGD: "Class C0". The phenylalanine amino acid residue is found in multiple mammalian species, which suggests that this missense change does not adversely affect protein function. This variant has not been reported in the literature in individuals affected with NLRP1-related conditions. This variant is not present in population databases (gnomAD no frequency). This sequence change replaces leucine, which is neutral and non-polar, with phenylalanine, which is neutral and non-polar, at codon 466 of the NLRP1 protein (p.Leu466Phe).